The following is an entry in ClinVar:

NM_005633.4(SOS1):c.1334T>C (p.Ile445Thr)

Gene: SOS1 (SOS Ras/Rac guanine nucleotide exchange factor 1; minus strand). Cytogenetic location: 2p22.1.
Variant type: single nucleotide variant.
Coding change: c.1334T>C on transcript NM_005633.4 (MANE Select); coding-DNA position 1334, T replaced by C.
Protein change: p.Ile445Thr; replaces isoleucine 445 with threonine.
Molecular consequence: missense variant.
Genome position (GRCh38, 1-based): chr2:39,023,094, A>G on the plus strand (T>C on the coding strand, the complement: SOS1 is on the minus strand). VCF-style: chr2-39023094-A-G. GRCh37 (hg19) VCF-style: chr2-39250235-A-G.
Other names: c.1313T>C, p.Ile438Thr (NM_001382394.1); c.1334T>C, p.Ile445Thr (NM_001382395.1); short protein forms I445T, I438T.
Identifiers: ClinVar variation 3447308 (VCV003447308.1).
Genomic context (GRCh38, chr2:39,023,094, plus strand): 5'-TCAAAGAGAAATATGTGTCTCTCATGTTTGGCTCCTACACGTGTAAGAGTTCCTTCCATT[A>G]TAAATTCATTACAACACTGTCCAATGTCTTTTCCCTCCCAACCATCAATATTCTTCTGAA-3'
Protein context (NP_005624.2, residues 435-455): KDIGQCCNEF[Ile445Thr]MEGTLTRVGA

ClinVar aggregate classification (germline): Uncertain significance (1 of 4 stars; one submission).

Conditions:
Cardiovascular phenotype. Identifiers: MedGen CN230736.

gnomAD v4.1: 13 of 1,613,688 alleles (0.00081%); highest among the groups gnomAD compares: Non-Finnish European, 0.0011%; no homozygotes.

Submission:

Ambry Genetics
Classification: Uncertain significance for Cardiovascular phenotype. Last evaluated: 2024-09-02. Review status: criteria provided, single submitter. Criteria: Ambry Variant Classification Scheme 2023. Collection method: clinical testing. Allele origin: germline.
Comment: The p.I445T variant (also known as c.1334T>C), located in coding exon 10 of the SOS1 gene, results from a T to C substitution at nucleotide position 1334. The isoleucine at codon 445 is replaced by threonine, an amino acid with similar properties. This amino acid position is conserved. In addition, this alteration is predicted to be deleterious by in silico analysis. Based on the available evidence, the clinical significance of this variant remains unclear.